The following is an entry in ClinVar:

ClinVar aggregate classification (germline): Uncertain significance. Review status: criteria provided, multiple submitters, no conflicts (2 of 4 stars). 2 submissions from 2 submitters: Uncertain significance (2). Last evaluated 2023-11-18.

Conditions:
Idiopathic Pulmonary Fibrosis. Also called: Idiopathic fibrosing alveolitis, chronic form; idiopathic fibrosing alveolitis. Identifiers: Orphanet 2032, MedGen C1800706, MeSH D054990, MONDO:0800504.
Dyskeratosis congenita, autosomal dominant 2. Identifiers: MedGen C3151443, MONDO:0013521, OMIM 613989.
Dyskeratosis congenita. Identifiers: Orphanet 1775, MedGen C0265965, MONDO:0015780.

Submissions (2):

Labcorp Genetics (formerly Invitae), Labcorp
Classification: Uncertain significance for Dyskeratosis congenita, autosomal dominant 2; Idiopathic Pulmonary Fibrosis. Last evaluated: 2023-11-18. Review status: criteria provided, single submitter. Criteria: Invitae Variant Classification Sherloc (09022015). Collection method: clinical testing. Allele origin: germline.
Comment: This sequence change replaces alanine, which is neutral and non-polar, with glycine, which is neutral and non-polar, at codon 801 of the TERT protein (p.Ala801Gly). This variant is not present in population databases (gnomAD no frequency). This variant has not been reported in the literature in individuals affected with TERT-related conditions. ClinVar contains an entry for this variant (Variation ID: 950854). Advanced modeling of protein sequence and biophysical properties (such as structural, functional, and spatial information, amino acid conservation, physicochemical variation, residue mobility, and thermodynamic stability) performed at Invitae indicates that this missense variant is expected to disrupt TERT protein function with a positive predictive value of 95%. In summary, the available evidence is currently insufficient to determine the role of this variant in disease. Therefore, it has been classified as a Variant of Uncertain Significance.

Ambry Genetics
Classification: Uncertain significance for Dyskeratosis congenita. Last evaluated: 2022-06-03. Review status: criteria provided, single submitter. Criteria: Ambry Variant Classification Scheme 2023. Collection method: clinical testing. Allele origin: germline.
Comment: The p.A801G variant (also known as c.2402C>G), located in coding exon 8 of the TERT gene, results from a C to G substitution at nucleotide position 2402. The alanine at codon 801 is replaced by glycine, an amino acid with similar properties. This amino acid position is conserved. In addition, this alteration is predicted to be tolerated by in silico analysis. Since supporting evidence is limited at this time, the clinical significance of this alteration remains unclear.

NM_198253.3(TERT):c.2402C>G (p.Ala801Gly)

Gene: TERT (telomerase reverse transcriptase; minus strand). Cytogenetic location: 5p15.33.
Variant type: single nucleotide variant.
Coding change: c.2402C>G on transcript NM_198253.3 (MANE Select); coding-DNA position 2402, C replaced by G.
Protein change: p.Ala801Gly; replaces alanine 801 with glycine.
Molecular consequence: missense variant.
Genome position (GRCh38, 1-based): chr5:1,271,185, G>C on the plus strand (C>G on the coding strand, the complement: TERT is on the minus strand). VCF-style: chr5-1271185-G-C. GRCh37 (hg19) VCF-style: chr5-1271300-G-C.
Other names: c.2402C>G, p.Ala801Gly (NM_001193376.3); short protein forms A801G.
Identifiers: ClinVar variation 950854 (VCV000950854.12), dbSNP rs1749006590, ClinGen allele CA359075818.